The following is an entry in ClinVar:

ClinVar aggregate classification (germline): Likely benign (1 of 4 stars; one submission).

Submission:

GeneDx
Classification: Likely benign. Last evaluated: 2016-11-01. Review status: criteria provided, single submitter. Criteria: GeneDx Variant Classification (06012015). Collection method: clinical testing. Allele origin: germline. Affected: yes.
Comment: This variant is considered likely benign or benign based on one or more of the following criteria: it is a conservative change, it occurs at a poorly conserved position in the protein, it is predicted to be benign by multiple in silico algorithms, and/or has population frequency not consistent with disease.

NM_001148.6(ANK2):c.7893A>G (p.Ser2631=)

Genes: ANK2 (ankyrin 2; plus strand), LOC126807137 (CDK7 strongly-dependent group 2 enhancer GRCh37_chr4:114276560-114277759; plus strand). Cytogenetic location: 4q26.
Variant type: single nucleotide variant.
Coding change: c.7893A>G on transcript NM_001148.6 (MANE Select); coding-DNA position 7893, A replaced by G.
Protein change: p.Ser2631=; no amino-acid change (serine 2631 retained).
Molecular consequence: synonymous variant. On other transcripts: intron variant (68).
Genome position (GRCh38, 1-based): chr4:113,356,511, A>G. VCF-style: chr4-113356511-A-G. GRCh37 (hg19) VCF-style: chr4-114277667-A-G.
Other names: c.7659A>G, p.Ser2553= (NM_001386142.1); c.4293A>G, p.Ser1431= (NM_001386166.1); c.8034A>G, p.Ser2678= (NM_001386174.1); c.8010A>G, p.Ser2670= (NM_001386175.1); c.4412-4312A>G (NM_001386186.2, NM_001386148.2); c.4214-4312A>G (NM_001354269.3); c.4292-4312A>G (NM_001386187.2); c.4253-4312A>G (NM_001386147.1); and 35 more.
Identifiers: ClinVar variation 390447 (VCV000390447.1), dbSNP rs1057523773, ClinGen allele CA16605037.